The following is an entry in ClinVar:

NM_006005.3(WFS1):c.1313dup (p.Phe439fs)

Gene: WFS1 (wolframin ER transmembrane glycoprotein; plus strand). Cytogenetic location: 4p16.1.
Variant type: Duplication.
Coding change: c.1313dup on transcript NM_006005.3 (MANE Select); coding-DNA position 1313, one base duplicated (T; older notation c.1313dupT).
Protein change: p.Phe439fs; shifts the reading frame from phenylalanine 439.
Molecular consequence: frameshift variant.
Genome position (GRCh38, 1-based): chr4:6,301,108, T duplicated; the last of 2 consecutive T bases (chr4:6,301,107-6,301,108); duplicating either gives the same sequence. VCF-style (leftmost placement, unchanged base first): chr4-6301106-C-CT. GRCh37 (hg19) VCF-style: chr4-6302833-C-CT.
Other names: c.1313dup, p.Phe439fs (NM_001145853.1); short protein forms F439fs.
Identifiers: ClinVar variation 2919262 (VCV002919262.3), dbSNP rs2474193334, ClinGen allele CA2739270015.

ClinVar aggregate classification (germline): Pathogenic (1 of 4 stars; one submission).

Submission:

Labcorp Genetics (formerly Invitae), Labcorp
Classification: Pathogenic. Last evaluated: 2023-04-11. Review status: criteria provided, single submitter. Criteria: Invitae Variant Classification Sherloc (09022015). Collection method: clinical testing. Allele origin: germline.
Comment: For these reasons, this variant has been classified as Pathogenic. This variant disrupts a region of the WFS1 protein in which other variant(s) (p.Pro885Leu) have been determined to be pathogenic (PMID: 10521293, 16806192, 28432734). This suggests that this is a clinically significant region of the protein, and that variants that disrupt it are likely to be disease-causing. This variant has not been reported in the literature in individuals affected with WFS1-related conditions. This variant is not present in population databases (gnomAD no frequency). This sequence change creates a premature translational stop signal (p.Phe439Leufs*104) in the WFS1 gene. While this is not anticipated to result in nonsense mediated decay, it is expected to disrupt the last 452 amino acid(s) of the WFS1 protein.

Literature cited by the submitters: PubMed 10521293; PubMed 16806192; PubMed 28432734.